The following is an entry in ClinVar:

NM_182493.3(MYLK3):c.1469G>T (p.Ser490Ile)

Gene: MYLK3 (myosin light chain kinase 3; minus strand). Cytogenetic location: 16q11.2.
Variant type: single nucleotide variant.
Coding change: c.1469G>T on transcript NM_182493.3 (MANE Select); coding-DNA position 1469, G replaced by T.
Protein change: p.Ser490Ile; replaces serine 490 with isoleucine.
Molecular consequence: missense variant.
Genome position (GRCh38, 1-based): chr16:46,730,692, C>A on the plus strand (G>T on the coding strand, the complement: MYLK3 is on the minus strand). VCF-style: chr16-46730692-C-A. GRCh37 (hg19) VCF-style: chr16-46764604-C-A.
Other names: c.446G>T, p.Ser149Ile (NM_001308301.1); short protein forms S490I, S149I.
Identifiers: ClinVar variation 2753514 (VCV002753514.3), dbSNP rs1420361475, ClinGen allele CA395791816.

ClinVar aggregate classification (germline): Uncertain significance (1 of 4 stars; one submission).

Allele frequency attached by ClinVar (database versions not stated): TOPMed 0.00001.

Submission:

Labcorp Genetics (formerly Invitae), Labcorp
Classification: Uncertain significance. Last evaluated: 2024-06-01. Review status: criteria provided, single submitter. Criteria: Invitae Variant Classification Sherloc (09022015). Collection method: clinical testing. Allele origin: germline.
Comment: This sequence change replaces serine, which is neutral and polar, with isoleucine, which is neutral and non-polar, at codon 490 of the MYLK3 protein (p.Ser490Ile). This variant is not present in population databases (gnomAD no frequency). This variant has not been reported in the literature in individuals affected with MYLK3-related conditions. An algorithm developed to predict the effect of missense changes on protein structure and function (PolyPhen-2) suggests that this variant is likely to be disruptive. In summary, the available evidence is currently insufficient to determine the role of this variant in disease. Therefore, it has been classified as a Variant of Uncertain Significance.